The following is an entry in ClinVar:

NM_000057.4(BLM):c.4221A>C (p.Arg1407Ser)

Gene: BLM (BLM RecQ like helicase; plus strand). Cytogenetic location: 15q26.1.
Variant type: single nucleotide variant.
Coding change: c.4221A>C on transcript NM_000057.4 (MANE Select); coding-DNA position 4221, A replaced by C.
Protein change: p.Arg1407Ser; replaces arginine 1407 with serine.
Molecular consequence: missense variant.
Genome position (GRCh38, 1-based): chr15:90,815,246, A>C. VCF-style: chr15-90815246-A-C. GRCh37 (hg19) VCF-style: chr15-91358476-A-C.
Other names: c.4221A>C, p.Arg1407Ser (NM_001287246.2); c.3828A>C, p.Arg1276Ser (NM_001287247.2); c.3096A>C, p.Arg1032Ser (NM_001287248.2); short protein forms R1407S, R1032S, R1276S.
Identifiers: ClinVar variation 574525 (VCV000574525.9), dbSNP rs1567069076, ClinGen allele CA393853124.

ClinVar aggregate classification (germline): Uncertain significance (1 of 4 stars; one submission).

Conditions:
Bloom syndrome (BLM). Also called: Bloom-Torre-Machacek syndrome. Identifiers: Orphanet 125, MedGen C0005859, MONDO:0008876, OMIM 210900.

Submission:

Labcorp Genetics (formerly Invitae), Labcorp
Classification: Uncertain significance for Bloom syndrome. Last evaluated: 2018-06-19. Review status: criteria provided, single submitter. Criteria: Invitae Variant Classification Sherloc (09022015). Collection method: clinical testing. Allele origin: germline.
Comment: This sequence change replaces arginine with serine at codon 1407 of the BLM protein (p.Arg1407Ser). The arginine residue is weakly conserved and there is a moderate physicochemical difference between arginine and serine. This variant is not present in population databases (ExAC no frequency). This variant has not been reported in the literature in individuals with BLM-related disease. Algorithms developed to predict the effect of missense changes on protein structure and function are either unavailable or do not agree on the potential impact of this missense change (SIFT: "Tolerated"; PolyPhen-2: "Probably Damaging"; Align-GVGD: "Class C0"). In summary, the available evidence is currently insufficient to determine the role of this variant in disease. Therefore, it has been classified as a Variant of Uncertain Significance.